The following is an entry in ClinVar:

NM_000565.4(IL6R):c.773G>A (p.Arg258Gln)

Gene: IL6R (interleukin 6 receptor; plus strand). Cytogenetic location: 1q21.3.
Variant type: single nucleotide variant.
Coding change: c.773G>A on transcript NM_000565.4 (MANE Select); coding-DNA position 773, G replaced by A.
Protein change: p.Arg258Gln; replaces arginine 258 with glutamine.
Molecular consequence: missense variant.
Genome position (GRCh38, 1-based): chr1:154,435,122, G>A. VCF-style: chr1-154435122-G-A. GRCh37 (hg19) VCF-style: chr1-154407598-G-A.
Other names: c.773G>A, p.Arg258Gln (NM_001206866.2, NM_001382769.1, NM_001382770.1 and 4 more transcripts); c.413G>A, p.Arg138Gln (NM_001382774.1); c.773G>A (NM_000565.3); short protein forms R138Q, R258Q.
Identifiers: ClinVar variation 1363437 (VCV001363437.5), dbSNP rs772744918, ClinGen allele CA1129108.

ClinVar aggregate classification (germline): Uncertain significance. Review status: criteria provided, multiple submitters, no conflicts (2 of 4 stars). 2 submissions from 2 submitters: Uncertain significance (2). Last evaluated 2025-05-20.

Allele frequency attached by ClinVar (database versions not stated): gnomAD 0.00001; ExAC 0.00002; TOPMed 0.00001; gnomAD exomes 0.00002.

Submissions (2):

Ambry Genetics
Classification: Uncertain significance. Last evaluated: 2025-05-20. Review status: criteria provided, single submitter. Criteria: Ambry Variant Classification Scheme 2023. Collection method: clinical testing. Allele origin: germline.

Labcorp Genetics (formerly Invitae), Labcorp
Classification: Uncertain significance. Last evaluated: 2021-08-12. Review status: criteria provided, single submitter. Criteria: Invitae Variant Classification Sherloc (09022015). Collection method: clinical testing. Allele origin: germline.
Comment: This sequence change replaces arginine with glutamine at codon 258 of the IL6R protein (p.Arg258Gln). The arginine residue is highly conserved and there is a small physicochemical difference between arginine and glutamine. This variant is present in population databases (rs772744918, ExAC 0.003%). This variant has not been reported in the literature in individuals affected with IL6R-related conditions. Algorithms developed to predict the effect of missense changes on protein structure and function (SIFT, PolyPhen-2, Align-GVGD) all suggest that this variant is likely to be disruptive. In summary, the available evidence is currently insufficient to determine the role of this variant in disease. Therefore, it has been classified as a Variant of Uncertain Significance.